The following is an entry in ClinVar:

ClinVar aggregate classification (germline): Uncertain significance (1 of 4 stars; one submission).

Allele frequency attached by ClinVar (database versions not stated): gnomAD 0.00001.
gnomAD v4.1: 25 of 1,342,018 alleles (0.0019%); highest among the groups gnomAD compares: South Asian, 0.01%; no homozygotes.

Submission:

Labcorp Genetics (formerly Invitae), Labcorp
Classification: Uncertain significance. Last evaluated: 2021-11-11. Review status: criteria provided, single submitter. Criteria: Invitae Variant Classification Sherloc (09022015). Collection method: clinical testing. Allele origin: germline.
Comment: Algorithms developed to predict the effect of missense changes on protein structure and function are either unavailable or do not agree on the potential impact of this missense change (SIFT: "Deleterious"; PolyPhen-2: "Benign"; Align-GVGD: "Class C0"). In summary, the available evidence is currently insufficient to determine the role of this variant in disease. Therefore, it has been classified as a Variant of Uncertain Significance. This variant has not been reported in the literature in individuals affected with IRF2BP2-related conditions. This variant is not present in population databases (gnomAD no frequency). This sequence change replaces threonine, which is neutral and polar, with isoleucine, which is neutral and non-polar, at codon 219 of the IRF2BP2 protein (p.Thr219Ile).

NM_182972.3(IRF2BP2):c.656C>T (p.Thr219Ile)

Genes: IRF2BP2 (interferon regulatory factor 2 binding protein 2; minus strand), LOC129932811 (ATAC-STARR-seq lymphoblastoid silent region 1976; plus strand). Cytogenetic location: 1q42.3.
Variant type: single nucleotide variant.
Coding change: c.656C>T on transcript NM_182972.3 (MANE Select); coding-DNA position 656, C replaced by T.
Protein change: p.Thr219Ile; replaces threonine 219 with isoleucine.
Molecular consequence: missense variant.
Genome position (GRCh38, 1-based): chr1:234,608,839, G>A on the plus strand (C>T on the coding strand, the complement: IRF2BP2 is on the minus strand). VCF-style: chr1-234608839-G-A. GRCh37 (hg19) VCF-style: chr1-234744585-G-A.
Other names: c.656C>T, p.Thr219Ile (NM_001077397.1); short protein forms T219I.
Identifiers: ClinVar variation 1493013 (VCV001493013.6), dbSNP rs1672253184, ClinGen allele CA345309096.
Genomic context (GRCh38, chr1:234,608,839, plus strand): 5'-GCCGGCCGCTTGTGGGCGCCCAGATCGGTGGGCTGCGCGGAGCCCAGGCTGGCGGCCGCG[G>A]TTCCGGACACCGCGGCTAAGGAGGCGGCAGCGCGGCCGCCGAGGCCGAGCGCGGTGGGCA-3'
Protein context (NP_892017.2, residues 209-229): AAASLAAVSG[Thr219Ile]AAASLGSAQP